The following is an entry in ClinVar:

ClinVar aggregate classification (germline): Likely pathogenic. Review status: reviewed by expert panel (3 of 4 stars). 7 submissions from 7 submitters: Likely pathogenic (1). 6 of the submissions do not count toward it. Last evaluated 2023-11-28.

Conditions:
Very long chain acyl-CoA dehydrogenase deficiency (ACADVLD). Also called: Very Long-Chain Acyl-Coenzyme A Dehydrogenase Deficiency; VLCAD Deficiency. Identifiers: Orphanet 26793, MedGen C3887523, MONDO:0008723, OMIM 201475.

Allele frequency attached by ClinVar (database versions not stated): gnomAD 0.00001; gnomAD exomes below 0.00001.
gnomAD v4.1: 4 of 1,613,916 alleles (0.00025%); highest among the groups gnomAD compares: South Asian, 0.0033%; no homozygotes.

Submissions (7):

ClinGen ACADVL Variant Curation Expert Panel, ClinGen
Classification: Likely pathogenic for Very long chain acyl-CoA dehydrogenase deficiency. Last evaluated: 2023-11-28. Review status: reviewed by expert panel. Criteria: clingen acadvl acmg specifications v1. Collection method: curation. Allele origin: germline. Inheritance: Autosomal recessive inheritance.
Comment: The c.652G>A (NM_000018.4) variant in ACADVL is a missense variant predicted to cause substitution of glutamic acid by lysine at amino acid 218 (p.Glu218Lys, also known as Glu178Lys in traditional nomenclature). At least two patients with this variant displayed elevated C14:1 by newborn screen and/or reduced very long chain acyl CoA dehydrogenase (VLCAD) enzyme activity, which is highly specific for VLCAD deficiency (PP4_moderate; PMIDs: 34184355, 30194637). Of those individuals, one was homozygous for the variant, confirmed by parental testing, and one was presumed in trans to a pathogenic variant (PM3 1 point; PMIDs: 34184355, 30194637). Additionally, one patient carrying this variant displayed a reduced VLCAD protein level (PMID: 9973285). The highest population minor allele frequency in gnomAD v2.1.1 is 0.000032 in South Asian population, which is lower than the ClinGen ACADVL Variant Curation Expert Panel threshold (<0.001) for PM2_Supporting, meeting this criterion (PM2_Supporting). This variant resides within a region, amino acids 214–223, of ACADVL that is defined as a mutational hotspot and critical functional domain by the ClinGen ACADVL Variant Curation Expert Panel (PMIDs: 20060901, 9973285; PM1). The computational predictor REVEL gives a score of 0.957, which is above the threshold of 0.75, evidence that correlates with impact to ACADVL function (PP3). In summary, this variant meets the criteria to be classified as likely pathogenic for autosomal recessive VLCAD deficiency based on the ACMG/AMP criteria applied, as specified by the ClinGen ACADVL Variant Curation Expert Panel: PM1, PM2_Supporting, PM3, PP3, PP4_Moderate (ACADVL VCEP specifications version 1; approved November 9, 2021). This variant was originally curated December 15, 2022 and the recurated classification was approved by the expert panel on November 13, 2023.

Myriad Genetics, Inc.
Classification: Likely pathogenic for Very long chain acyl-CoA dehydrogenase deficiency. Last evaluated: 2025-11-14. Review status: criteria provided, single submitter. Criteria: Myriad Autosomal Dominant, Autosomal Recessive and X-Linked Classification Criteria (2023). Collection method: clinical testing. Allele origin: unknown. Not counted in ClinVar's aggregate classification.
Comment: NM_000018.3(ACADVL):c.652G>A(E218K) is a missense variant classified as likely pathogenic in the context of very-long-chain acyl-CoA dehydrogenase deficiency. E218K has been observed in cases with relevant disease (PMID: 30194637, 34184355, 36246604). Relevant functional assessments of this variant are not available in the literature. Internal structural analysis of the variant is supportive of pathogenicity. E218K has been observed in referenced population frequency databases. In summary, NM_000018.3(ACADVL):c.652G>A(E218K) is a missense variant that has internal structural support for pathogenicity and has been observed more frequently in cases with the relevant disease than in healthy populations. Please note: this variant was assessed in the context of healthy population screening.

Labcorp Genetics (formerly Invitae), Labcorp
Classification: Pathogenic for Very long chain acyl-CoA dehydrogenase deficiency. Last evaluated: 2025-05-11. Review status: criteria provided, single submitter. Criteria: Invitae Variant Classification Sherloc (09022015). Collection method: clinical testing. Allele origin: germline. Not counted in ClinVar's aggregate classification.
Comment: This sequence change replaces glutamic acid, which is acidic and polar, with lysine, which is basic and polar, at codon 218 of the ACADVL protein (p.Glu218Lys). This variant is present in population databases (no rsID available, gnomAD 0.003%). This missense change has been observed in individual(s) with very long chain acyl co-A dehydrogenase deficiency (PMID: 9973285, 30194637; internal data). In at least one individual the data is consistent with being in trans (on the opposite chromosome) from a pathogenic variant. This variant is also known as p.Glu178Lys. ClinVar contains an entry for this variant (Variation ID: 474901). Invitae Evidence Modeling of protein sequence and biophysical properties (such as structural, functional, and spatial information, amino acid conservation, physicochemical variation, residue mobility, and thermodynamic stability) indicates that this missense variant is expected to disrupt ACADVL protein function with a positive predictive value of 80%. For these reasons, this variant has been classified as Pathogenic.

Baylor Genetics
Classification: Pathogenic for Very long chain acyl-CoA dehydrogenase deficiency. Last evaluated: 2024-02-06. Review status: criteria provided, single submitter. Criteria: ACMG Guidelines, 2015. Collection method: clinical testing. Allele origin: unknown. Not counted in ClinVar's aggregate classification.

Women's Health and Genetics/Laboratory Corporation of America, LabCorp
Classification: Pathogenic for Very long chain acyl-CoA dehydrogenase deficiency. Last evaluated: 2023-01-11. Review status: criteria provided, single submitter. Criteria: LabCorp Variant Classification Summary - May 2015. Collection method: clinical testing. Allele origin: germline. Not counted in ClinVar's aggregate classification.
Comment: Variant summary: ACADVL c.652G>A (p.Glu218Lys) results in a conservative amino acid change located in the Acyl-CoA oxidase/dehydrogenase, middle domain (IPR006091) of the encoded protein sequence. Four of five in-silico tools predict a damaging effect of the variant on protein function. The variant allele was found at a frequency of 4e-06 in 251352 control chromosomes. c.652G>A has been reported in the literature as biallelic homozygous or compound heterozygous genotypes in individuals affected with Very Long Chain Acyl-CoA Dehydrogenase Deficiency (VLCAD) (example, Andresen_1999, Hesse_2018, Takizaki_2021). These data indicate that the variant is likely to be associated with disease. At least one publication reports experimental evidence evaluating an impact on protein function. The most pronounced variant effect results in 2% of normal VLCAD enzyme activity in leukocytes from a homozygous individual affected with VLCAD deficiency. Two clinical diagnostic laboratories and an expert panel have submitted clinical-significance assessments for this variant to ClinVar after 2014 without evidence for independent evaluation (P/LP, n=2; VUS, n=1). The expert panel classification as a VUS has cited overlapping but not identical evidence utilized in the context of this evaluation. Based on the evidence outlined above, the variant was classified as pathogenic.

Fulgent Genetics
Classification: Likely pathogenic for Very long chain acyl-CoA dehydrogenase deficiency. Last evaluated: 2021-10-16. Review status: criteria provided, single submitter. Criteria: ACMG Guidelines, 2015. Collection method: clinical testing. Allele origin: unknown. Not counted in ClinVar's aggregate classification.

Clinical Genetics Service, Universitary Hospital 12 de Octubre
Classification: Pathogenic for Very long chain acyl-CoA dehydrogenase deficiency. Review status: criteria provided, single submitter. Criteria: ACMG Guidelines, 2015. Collection method: clinical testing. Allele origin: germline. Affected: no. Not counted in ClinVar's aggregate classification.

Literature cited by the submitters: PubMed 30194637 (cited by 3 submitters); PubMed 34184355 (cited by Myriad Genetics, Inc. and Women's Health and Genetics/Laboratory Corporation of America, LabCorp); PubMed 36246604 (cited by Myriad Genetics, Inc.); PubMed 9973285 (cited by Labcorp Genetics (formerly Invitae), Labcorp and Women's Health and Genetics/Laboratory Corporation of America, LabCorp); PubMed 23169530 (cited by Women's Health and Genetics/Laboratory Corporation of America, LabCorp).

NM_000018.4(ACADVL):c.652G>A (p.Glu218Lys)

Gene: ACADVL (acyl-CoA dehydrogenase very long chain; plus strand). Cytogenetic location: 17p13.1.
Variant type: single nucleotide variant.
Coding change: c.652G>A on transcript NM_000018.4 (MANE Select); coding-DNA position 652, G replaced by A.
Protein change: p.Glu218Lys; replaces glutamic acid 218 with lysine.
Molecular consequence: missense variant.
Genome position (GRCh38, 1-based): chr17:7,221,981, G>A. VCF-style: chr17-7221981-G-A. GRCh37 (hg19) VCF-style: chr17-7125300-G-A.
Other names: NM_000018.4(ACADVL):c.652G>A; p.Glu218Lys; c.586G>A, p.Glu196Lys (NM_001033859.3); c.721G>A, p.Glu241Lys (NM_001270447.2); c.424G>A, p.Glu142Lys (NM_001270448.2); short protein forms E218K, E142K, E196K, E241K.
Identifiers: ClinVar variation 474901 (VCV000474901.19), dbSNP rs1432183079, ClinGen allele CA397723393.